The following is an entry in ClinVar:

NM_175737.4(KLB):c.2885T>C (p.Ile962Thr)

Gene: KLB (klotho beta; plus strand). Cytogenetic location: 4p14.
Variant type: single nucleotide variant.
Coding change: c.2885T>C on transcript NM_175737.4 (MANE Select); coding-DNA position 2885, T replaced by C.
Protein change: p.Ile962Thr; replaces isoleucine 962 with threonine.
Molecular consequence: missense variant.
Genome position (GRCh38, 1-based): chr4:39,448,436, T>C. VCF-style: chr4-39448436-T-C. GRCh37 (hg19) VCF-style: chr4-39450056-T-C.
Other names: short protein forms I962T.
Identifiers: ClinVar variation 4693647 (VCV004693647.1).

ClinVar aggregate classification (germline): Uncertain significance (1 of 4 stars; one submission).

gnomAD v4.1: 3 of 1,614,210 alleles (0.00019%); highest among the groups gnomAD compares: Admixed American, 0.005%; no homozygotes.

Submission:

Labcorp Genetics (formerly Invitae), Labcorp
Classification: Uncertain significance. Last evaluated: 2025-12-07. Review status: criteria provided, single submitter. Criteria: Invitae Variant Classification Sherloc (09022015). Collection method: clinical testing. Allele origin: germline.
Comment: This sequence change replaces isoleucine, which is neutral and non-polar, with threonine, which is neutral and polar, at codon 962 of the KLB protein (p.Ile962Thr). This variant is present in population databases (rs771478561, gnomAD 0.009%). This variant has not been reported in the literature in individuals affected with KLB-related conditions. Invitae Evidence Modeling of protein sequence and biophysical properties (such as structural, functional, and spatial information, amino acid conservation, physicochemical variation, residue mobility, and thermodynamic stability) indicates that this missense variant is expected to disrupt KLB protein function with a positive predictive value of 80%. In summary, the available evidence is currently insufficient to determine the role of this variant in disease. Therefore, it has been classified as a Variant of Uncertain Significance.